The following is an entry in ClinVar:

NM_001346754.2(PIGW):c.1286C>T (p.Pro429Leu)

Genes: MYO19 (myosin XIX; minus strand), PIGW (phosphatidylinositol glycan anchor biosynthesis class W; plus strand). Cytogenetic location: 17q12.
Variant type: single nucleotide variant.
Coding change: c.1286C>T on transcript NM_001346754.2 (MANE Select); coding-DNA position 1286, C replaced by T.
Protein change: p.Pro429Leu; replaces proline 429 with leucine.
Molecular consequence: missense variant.
Genome position (GRCh38, 1-based): chr17:36,538,387, C>T. VCF-style: chr17-36538387-C-T. GRCh37 (hg19) VCF-style: chr17-34894236-C-T.
Other names: c.1286C>T, p.Pro429Leu (NM_001346755.2, NM_178517.5); short protein forms P429L.
Identifiers: ClinVar variation 2170468 (VCV002170468.1), dbSNP rs751994004, ClinGen allele CA290116729.
Genomic context (GRCh38, chr17:36,538,387, plus strand): 5'-GTTCTTGGAAACTTATCCAGTCACCTGTTACAAATAAAAAGCATTCAGAATCTCTAGTCC[C>T]TGAAGCCGAAAGAATGGAACCCAGTCTTTGTTTAATCACAGCTCTAAACAGAAAACAGTT-3'
Protein context (NP_001333683.1, residues 419-439): TNKKHSESLV[Pro429Leu]EAERMEPSLC

ClinVar aggregate classification (germline): Uncertain significance (1 of 4 stars; one submission).

Conditions:
Hyperphosphatasia with intellectual disability syndrome 5 (GPIBD11). Also called: GLYCOSYLPHOSPHATIDYLINOSITOL BIOSYNTHESIS DEFECT 11. Identifiers: Orphanet 247262, MedGen C4014958, MONDO:0014457, OMIM 616025.

Allele frequency attached by ClinVar (database versions not stated): ExAC 0.00001; gnomAD 0.00001.
gnomAD v4.1: 14 of 1,613,986 alleles (0.00087%); highest among the groups gnomAD compares: Admixed American, 0.0017%; no homozygotes.

Submission:

Labcorp Genetics (formerly Invitae), Labcorp
Classification: Uncertain significance for Hyperphosphatasia with intellectual disability syndrome 5. Last evaluated: 2022-05-27. Review status: criteria provided, single submitter. Criteria: Invitae Variant Classification Sherloc (09022015). Collection method: clinical testing. Allele origin: germline.
Comment: This sequence change replaces proline, which is neutral and non-polar, with leucine, which is neutral and non-polar, at codon 429 of the PIGW protein (p.Pro429Leu). This variant is present in population databases (rs751994004, gnomAD 0.002%). This variant has not been reported in the literature in individuals affected with PIGW-related conditions. Algorithms developed to predict the effect of missense changes on protein structure and function output the following: SIFT: "Tolerated"; PolyPhen-2: "Benign"; Align-GVGD: "Class C0". The leucine amino acid residue is found in multiple mammalian species, which suggests that this missense change does not adversely affect protein function. In summary, the available evidence is currently insufficient to determine the role of this variant in disease. Therefore, it has been classified as a Variant of Uncertain Significance.